The following is an entry in ClinVar:

ClinVar aggregate classification (germline): Conflicting classifications of pathogenicity. Review status: criteria provided, conflicting classifications (1 of 4 stars). 2 submissions from 2 submitters: Uncertain significance (1); Likely benign (1). Last evaluated 2025-07-10.

Conditions:
BPTF-related disorder. Also called: BPTF-related condition.
Inborn genetic diseases. Identifiers: MedGen C0950123, MeSH D030342.

gnomAD v4.1: 36 of 1,284,340 alleles (0.0028%); highest among the groups gnomAD compares: Non-Finnish European, 0.0037%; no homozygotes.

Submissions (2):

PreventionGenetics, part of Exact Sciences
Classification: Likely benign for BPTF-related condition. Last evaluated: 2025-07-10. Review status: criteria provided, single submitter. Criteria: ACMG Guidelines, 2015. Collection method: clinical testing. Allele origin: germline.
Comment: This variant is classified as likely benign based on ACMG/AMP sequence variant interpretation guidelines (Richards et al. 2015 PMID: 25741868, with internal and published modifications).

Ambry Genetics
Classification: Uncertain significance for Inborn genetic diseases. Last evaluated: 2024-05-15. Review status: criteria provided, single submitter. Criteria: Ambry Variant Classification Scheme 2023. Collection method: clinical testing. Allele origin: germline.

NM_182641.4(BPTF):c.350C>T (p.Ala117Val)

Gene: BPTF (bromodomain PHD finger transcription factor; plus strand). Cytogenetic location: 17q24.2.
Variant type: single nucleotide variant.
Coding change: c.350C>T on transcript NM_182641.4 (MANE Select); coding-DNA position 350, C replaced by T.
Protein change: p.Ala117Val; replaces alanine 117 with valine.
Molecular consequence: missense variant.
Genome position (GRCh38, 1-based): chr17:67,826,074, C>T. VCF-style: chr17-67826074-C-T. GRCh37 (hg19) VCF-style: chr17-65822190-C-T.
Other names: c.350C>T, p.Ala117Val (NM_004459.7); short protein forms A117V.
Identifiers: ClinVar variation 3261402 (VCV003261402.2).